The following is an entry in ClinVar:

ClinVar aggregate classification (germline): Pathogenic (1 of 4 stars; one submission).

Submission:

Labcorp Genetics (formerly Invitae), Labcorp
Classification: Pathogenic. Last evaluated: 2023-05-15. Review status: criteria provided, single submitter. Criteria: Invitae Variant Classification Sherloc (09022015). Collection method: clinical testing. Allele origin: germline.
Comment: For these reasons, this variant has been classified as Pathogenic. This variant has not been reported in the literature in individuals affected with CTNNA1-related conditions. ClinVar contains an entry for this variant (Variation ID: 2010017). Algorithms developed to predict the effect of sequence changes on RNA splicing suggest that this variant may disrupt the consensus splice site. This sequence change creates a premature translational stop signal (p.Lys287Thrfs*15) in the CTNNA1 gene. It is expected to result in an absent or disrupted protein product. Loss-of-function variants in CTNNA1 are known to be pathogenic (PMID: 32051609, 34425242). This variant is not present in population databases (gnomAD no frequency).

Literature cited by the submitters: PubMed 32051609; PubMed 34425242.

NM_001903.5(CTNNA1):c.860_861del (p.Lys287fs)

Gene: CTNNA1 (catenin alpha 1; plus strand). Cytogenetic location: 5q31.2.
Variant type: Deletion.
Coding change: c.860_861del on transcript NM_001903.5 (MANE Select); coding-DNA positions 860 to 861, 2 bases deleted (AA; older notation c.860_861delAA).
Protein change: p.Lys287fs; shifts the reading frame from lysine 287.
Molecular consequence: frameshift variant.
Genome position (GRCh38, 1-based): chr5:138,827,516-138,827,517, AA deleted; deleting any 2 consecutive bases within chr5:138,827,515-138,827,517 gives the same sequence; the c. name uses the placement nearest the transcript's 3' end. VCF-style (leftmost placement, unchanged base first): chr5-138827514-GAA-G. GRCh37 (hg19) VCF-style: chr5-138163203-GAA-G.
Other names: c.860_861del, p.Lys287fs (NM_001290307.3, NM_001323982.2, NM_001323983.1 and 3 more transcripts); c.551_552del, p.Lys184fs (NM_001290309.3); c.491_492del, p.Lys164fs (NM_001290310.3); short protein forms K184fs, K287fs, K164fs.
Identifiers: ClinVar variation 2010017 (VCV002010017.4), dbSNP rs2532445784, ClinGen allele CA2580072924.